The following is an entry in ClinVar:

ClinVar aggregate classification (germline): Conflicting classifications of pathogenicity. Review status: criteria provided, conflicting classifications (1 of 4 stars). 2 submissions from 2 submitters: Likely pathogenic (1); Uncertain significance (1). Last evaluated 2024-03-11.

Submissions (2):

Quest Diagnostics Nichols Institute San Juan Capistrano
Classification: Uncertain significance. Last evaluated: 2024-03-11. Review status: criteria provided, single submitter. Criteria: Quest Diagnostics criteria. Collection method: clinical testing. Allele origin: unknown.
Comment: The THRB c.790G>T (p.Val264Phe) variant has been reported in the published literature in an individual with resistance to thyroid hormone (RTH) (PMID: 32635414 (2020)). This variant has not been reported in large, multi-ethnic general populations (Genome Aggregation Database). Analysis of this variant using bioinformatics tools for the prediction of the effect of amino acid changes on protein structure and function yielded predictions that this variant is damaging. Based on the available information, we are unable to determine the clinical significance of this variant.

GeneDx
Classification: Likely pathogenic. Last evaluated: 2023-08-31. Review status: criteria provided, single submitter. Criteria: GeneDx Variant Classification Process June 2021. Collection method: clinical testing. Allele origin: germline. Affected: yes.
Comment: Has been reported in a patient with resistance to thyroid hormone (Dieu et al., 2020); Not observed at significant frequency in large population cohorts (gnomAD); In silico analysis supports that this missense variant has a deleterious effect on protein structure/function; This variant is associated with the following publications: (PMID: 32635414, 8040303)

Literature cited by the submitters: PubMed 32635414 (cited by Quest Diagnostics Nichols Institute San Juan Capistrano).

NM_001354712.2(THRB):c.790G>T (p.Val264Phe)

Gene: THRB (thyroid hormone receptor beta; minus strand). Cytogenetic location: 3p24.2.
Variant type: single nucleotide variant.
Coding change: c.790G>T on transcript NM_001354712.2 (MANE Select); coding-DNA position 790, G replaced by T.
Protein change: p.Val264Phe; replaces valine 264 with phenylalanine.
Molecular consequence: missense variant.
Genome position (GRCh38, 1-based): chr3:24,133,411, C>A on the plus strand (G>T on the coding strand, the complement: THRB is on the minus strand). VCF-style: chr3-24133411-C-A. GRCh37 (hg19) VCF-style: chr3-24174902-C-A.
Other names: c.790G>T, p.Val264Phe (NM_001252634.2, NM_001354708.2, NM_001354709.2 and 6 more transcripts); c.697G>T, p.Val233Phe (NM_001354714.2, NM_001354715.2); short protein forms V264F, V233F.
Identifiers: ClinVar variation 619922 (VCV000619922.4), dbSNP rs1559415493, ClinGen allele CA351889794.